The following is an entry in ClinVar:

NM_004130.4(GYG1):c.528A>C (p.Thr176=)

Gene: GYG1 (glycogenin 1; plus strand). Cytogenetic location: 3q24.
Variant type: single nucleotide variant.
Coding change: c.528A>C on transcript NM_004130.4 (MANE Select); coding-DNA position 528, A replaced by C.
Protein change: p.Thr176=; no amino-acid change (threonine 176 retained).
Molecular consequence: synonymous variant.
Genome position (GRCh38, 1-based): chr3:149,009,322, A>C. VCF-style: chr3-149009322-A-C. GRCh37 (hg19) VCF-style: chr3-148727109-A-C.
Other names: c.528A>C, p.Thr176= (NM_001184720.2, NM_001184721.2).
Identifiers: ClinVar variation 3031720 (VCV003031720.2), dbSNP rs2472732506, ClinGen allele CA436197185.

ClinVar aggregate classification (germline): Likely benign (0 of 4 stars; one submission).

Conditions:
GYG1-related disorder. Also called: GYG1-related condition.

Submission:

PreventionGenetics, part of Exact Sciences
Classification: Likely benign for GYG1-related condition. Last evaluated: 2020-10-27. Review status: no assertion criteria provided. Collection method: clinical testing. Allele origin: germline.
Comment: This variant is classified as likely benign based on ACMG/AMP sequence variant interpretation guidelines (Richards et al. 2015 PMID: 25741868, with internal and published modifications).